The following is an entry in ClinVar:

ClinVar aggregate classification (germline): Uncertain significance (1 of 4 stars; one submission).

Submission:

Ambry Genetics
Classification: Uncertain significance. Last evaluated: 2025-10-14. Review status: criteria provided, single submitter. Criteria: Ambry Variant Classification Scheme 2023. Collection method: clinical testing. Allele origin: germline.
Comment: The p.M131V variant (also known as c.391A>G), located in coding exon 3 of the ATRIP gene, results from an A to G substitution at nucleotide position 391. The methionine at codon 131 is replaced by valine, an amino acid with highly similar properties. This amino acid position is conserved. In addition, this alteration is predicted to be tolerated by in silico analysis. Based on the available evidence, the clinical significance of this variant remains unclear.

NM_130384.3(ATRIP):c.391A>G (p.Met131Val)

Genes: ATRIP (ATR interacting protein; plus strand), ATRIP-TREX1 (ATRIP-TREX1 readthrough; plus strand). Cytogenetic location: 3p21.31.
Variant type: single nucleotide variant.
Coding change: c.391A>G on transcript NM_130384.3 (MANE Select); coding-DNA position 391, A replaced by G.
Protein change: p.Met131Val; replaces methionine 131 with valine.
Molecular consequence: missense variant. On other transcripts: non-coding transcript variant (1).
Genome position (GRCh38, 1-based): chr3:48,451,738, A>G. VCF-style: chr3-48451738-A-G. GRCh37 (hg19) VCF-style: chr3-48493144-A-G.
Other names: c.10A>G, p.Met4Val (NM_001271022.2); c.112A>G, p.Met38Val (NM_001271023.2); c.391A>G, p.Met131Val (NM_032166.4); short protein forms M38V, M4V, M131V.
Identifiers: ClinVar variation 4644543 (VCV004644543.1).
Genomic context (GRCh38, chr3:48,451,738, plus strand): 5'-TAAGTAGTTTTCTCTTACAAAGTTTTCACGAGATTAATTTGGGATTTACAGATGAAAGTA[A>G]TGGAAGAAGAAGTTCTCATTAAGAATGGAGAAATTAAAATTTTGCGAGACTCACTACATC-3'
Protein context (NP_569055.1, residues 121-141): YKELKEKMKV[Met131Val]EEEVLIKNGE